The following is an entry in ClinVar:

NM_033100.4(CDHR1):c.784-10T>C

Gene: CDHR1 (cadherin related family member 1; plus strand). Cytogenetic location: 10q23.1.
Variant type: single nucleotide variant.
Coding change: c.784-10T>C on transcript NM_033100.4 (MANE Select); 10 bases into the intron before coding-DNA position 784, T replaced by C.
Molecular consequence: intron variant.
Genome position (GRCh38, 1-based): chr10:84,204,517, T>C. VCF-style: chr10-84204517-T-C. GRCh37 (hg19) VCF-style: chr10-85964273-T-C.
Other names: c.784-10T>C (NM_033100.3, NM_001171971.3).
Identifiers: ClinVar variation 1543604 (VCV001543604.9), dbSNP rs762944021, ClinGen allele CA5579700.
Genomic context (GRCh38, chr10:84,204,517, plus strand): 5'-GAGACATTGTTTGGGGAGGGGAGGGTCCCCATATTGCCCATCAGGCAGCGGCTGTTCCTG[T>C]TTCCCCGAGGGCTCGGAGGTACTGAAGGTGGTCGCCATGGATGGAGACCGGGGCAAACCC-3'

ClinVar aggregate classification (germline): Likely benign. Review status: criteria provided, multiple submitters, no conflicts (2 of 4 stars). 2 submissions from 2 submitters: Likely benign (2). Last evaluated 2024-11-06.

Conditions:
CDHR1-related disorder. Also called: CDHR1-related condition.

Allele frequency attached by ClinVar (database versions not stated): gnomAD exomes below 0.00001 and 0.00001; ExAC 0.00001; gnomAD 0.00001; TOPMed 0.00001.
gnomAD v4.1: 6 of 1,607,544 alleles (0.00037%); highest among the groups gnomAD compares: Admixed American, 0.01%; no homozygotes.

Submissions (2):

PreventionGenetics, part of Exact Sciences
Classification: Likely benign for CDHR1-related condition. Last evaluated: 2024-11-06. Review status: criteria provided, single submitter. Criteria: ACMG Guidelines, 2015. Collection method: clinical testing. Allele origin: germline.
Comment: This variant is classified as likely benign based on ACMG/AMP sequence variant interpretation guidelines (Richards et al. 2015 PMID: 25741868, with internal and published modifications).

Labcorp Genetics (formerly Invitae), Labcorp
Classification: Likely benign. Last evaluated: 2024-03-10. Review status: criteria provided, single submitter. Criteria: Invitae Variant Classification Sherloc (09022015). Collection method: clinical testing. Allele origin: germline.